The following is an entry in ClinVar:

ClinVar aggregate classification (germline): Likely benign. Review status: criteria provided, multiple submitters, no conflicts (2 of 4 stars). 2 submissions from 2 submitters: Likely benign (2). Last evaluated 2026-06-02.

Conditions:
Gastrointestinal stromal tumor. Also called: Gastrointestinal stromal tumor, somatic; Gastrointestinal stroma tumor. Identifiers: Orphanet 44890, MedGen C0238198, MeSH D046152, MONDO:0011719, OMIM 606764, HP:0100723.

Allele frequency attached by ClinVar (database versions not stated): gnomAD exomes below 0.00001; TOPMed below 0.00001.
gnomAD v4.1: 1 of 1,588,878 alleles (0.000063%); highest among the groups gnomAD compares: Non-Finnish European, 0.000086%; no homozygotes.

Submissions (2):

Myriad Genetics, Inc.
Classification: Likely benign for Gastrointestinal stromal tumor. Last evaluated: 2026-06-02. Review status: criteria provided, single submitter. Criteria: Myriad Autosomal Dominant, Autosomal Recessive and X-Linked Classification Criteria (2023). Collection method: clinical testing. Allele origin: unknown.
Comment: This variant is considered likely benign. This variant is intronic and is not expected to impact mRNA splicing.

Labcorp Genetics (formerly Invitae), Labcorp
Classification: Likely benign for Gastrointestinal stromal tumor. Last evaluated: 2024-11-06. Review status: criteria provided, single submitter. Criteria: Invitae Variant Classification Sherloc (09022015). Collection method: clinical testing. Allele origin: germline.

NM_000222.3(KIT):c.2697-9G>A

Gene: KIT (KIT proto-oncogene, receptor tyrosine kinase; plus strand). Cytogenetic location: 4q12.
Variant type: single nucleotide variant.
Coding change: c.2697-9G>A on transcript NM_000222.3 (MANE Select); 9 bases into the intron before coding-DNA position 2697, G replaced by A.
Molecular consequence: intron variant.
Genome position (GRCh38, 1-based): chr4:54,737,166, G>A. VCF-style: chr4-54737166-G-A. GRCh37 (hg19) VCF-style: chr4-55603332-G-A.
Other names: c.2700-9G>A (NM_001385284.1); c.2697-9G>A (NM_001385290.1); c.2688-9G>A (NM_001385288.1); c.2685-9G>A (NM_001385292.1, NM_001093772.2); c.2694-9G>A (NM_001385285.1); c.2682-9G>A (NM_001385286.1).
Identifiers: ClinVar variation 1618262 (VCV001618262.9), dbSNP rs1447568482, ClinGen allele CA796356844.